The following is an entry in ClinVar:

NM_199420.4(POLQ):c.6154C>T (p.Leu2052Phe)

Gene: POLQ (DNA polymerase theta; minus strand). Cytogenetic location: 3q13.33.
Variant type: single nucleotide variant.
Coding change: c.6154C>T on transcript NM_199420.4 (MANE Select); coding-DNA position 6154, C replaced by T.
Protein change: p.Leu2052Phe; replaces leucine 2052 with phenylalanine.
Molecular consequence: missense variant.
Genome position (GRCh38, 1-based): chr3:121,481,629, G>A on the plus strand (C>T on the coding strand, the complement: POLQ is on the minus strand). VCF-style: chr3-121481629-G-A. GRCh37 (hg19) VCF-style: chr3-121200476-G-A.
Other names: short protein forms L2052F.
Identifiers: ClinVar variation 2625802 (VCV002625802.2), dbSNP rs2546780293, ClinGen allele CA354087714.

ClinVar aggregate classification (germline): Uncertain significance (1 of 4 stars; one submission).

Submission:

Ambry Genetics
Classification: Uncertain significance. Last evaluated: 2023-06-18. Review status: criteria provided, single submitter. Criteria: Ambry Variant Classification Scheme 2023. Collection method: clinical testing. Allele origin: germline.
Comment: The p.L2052F variant (also known as c.6154C>T), located in coding exon 19 of the POLQ gene, results from a C to T substitution at nucleotide position 6154. The leucine at codon 2052 is replaced by phenylalanine, an amino acid with highly similar properties. This amino acid position is conserved. In addition, this alteration is predicted to be tolerated by in silico analysis. Since supporting evidence is limited at this time, the clinical significance of this alteration remains unclear.